The following is an entry in ClinVar:

ClinVar aggregate classification (germline): Uncertain significance (1 of 4 stars; one submission).

gnomAD v4.1: 32 of 1,130,326 alleles (0.0028%); highest among the groups gnomAD compares: Non-Finnish European, 0.0034%; no homozygotes.

Submission:

Labcorp Genetics (formerly Invitae), Labcorp
Classification: Uncertain significance. Last evaluated: 2024-03-30. Review status: criteria provided, single submitter. Criteria: Invitae Variant Classification Sherloc (09022015). Collection method: clinical testing. Allele origin: germline.
Comment: This sequence change replaces proline, which is neutral and non-polar, with threonine, which is neutral and polar, at codon 931 of the GRIN2D protein (p.Pro931Thr). The frequency data for this variant in the population databases is considered unreliable, as metrics indicate insufficient coverage at this position in the gnomAD database. This variant has not been reported in the literature in individuals affected with GRIN2D-related conditions. Advanced modeling of protein sequence and biophysical properties (such as structural, functional, and spatial information, amino acid conservation, physicochemical variation, residue mobility, and thermodynamic stability) performed at Invitae indicates that this missense variant is not expected to disrupt GRIN2D protein function with a negative predictive value of 95%. In summary, the available evidence is currently insufficient to determine the role of this variant in disease. Therefore, it has been classified as a Variant of Uncertain Significance.

NM_000836.4(GRIN2D):c.2791C>A (p.Pro931Thr)

Gene: GRIN2D (glutamate ionotropic receptor NMDA type subunit 2D; plus strand). Cytogenetic location: 19q13.33.
Variant type: single nucleotide variant.
Coding change: c.2791C>A on transcript NM_000836.4 (MANE Select); coding-DNA position 2791, C replaced by A.
Protein change: p.Pro931Thr; replaces proline 931 with threonine.
Molecular consequence: missense variant.
Genome position (GRCh38, 1-based): chr19:48,442,717, C>A. VCF-style: chr19-48442717-C-A. GRCh37 (hg19) VCF-style: chr19-48945974-C-A.
Other names: short protein forms P931T.
Identifiers: ClinVar variation 3674863 (VCV003674863.2).